The following is an entry in ClinVar:

ClinVar aggregate classification (germline): Uncertain significance (1 of 4 stars; one submission).

Conditions:
Spastic paraplegia. Identifiers: MedGen C0037772, HP:0001258.

Submission:

Labcorp Genetics (formerly Invitae), Labcorp
Classification: Uncertain significance for Spastic paraplegia. Last evaluated: 2021-09-23. Review status: criteria provided, single submitter. Criteria: Invitae Variant Classification Sherloc (09022015). Collection method: clinical testing. Allele origin: germline.
Comment: This sequence change replaces arginine with tryptophan at codon 2329 of the ZFYVE26 protein (p.Arg2329Trp). The arginine residue is moderately conserved and there is a moderate physicochemical difference between arginine and tryptophan. This variant is not present in population databases (ExAC no frequency). This variant has not been reported in the literature in individuals affected with ZFYVE26-related conditions. Algorithms developed to predict the effect of missense changes on protein structure and function are either unavailable or do not agree on the potential impact of this missense change (SIFT: "Deleterious"; PolyPhen-2: "Probably Damaging"; Align-GVGD: "Class C0"). Algorithms developed to predict the effect of sequence changes on RNA splicing suggest that this variant may disrupt the consensus splice site. In summary, the available evidence is currently insufficient to determine the role of this variant in disease. Therefore, it has been classified as a Variant of Uncertain Significance.

NM_015346.4(ZFYVE26):c.6985A>T (p.Arg2329Trp)

Gene: ZFYVE26 (zinc finger FYVE-type containing 26; minus strand). Cytogenetic location: 14q24.1.
Variant type: single nucleotide variant.
Coding change: c.6985A>T on transcript NM_015346.4 (MANE Select); coding-DNA position 6985, A replaced by T.
Protein change: p.Arg2329Trp; replaces arginine 2329 with tryptophan.
Molecular consequence: missense variant.
Genome position (GRCh38, 1-based): chr14:67,755,052, T>A on the plus strand (A>T on the coding strand, the complement: ZFYVE26 is on the minus strand). VCF-style: chr14-67755052-T-A. GRCh37 (hg19) VCF-style: chr14-68221769-T-A.
Other names: short protein forms R2329W.
Identifiers: ClinVar variation 1519753 (VCV001519753.6), dbSNP rs2140184295, ClinGen allele CA390160360.